The following is an entry in ClinVar:

NM_000278.5(PAX2):c.538G>A (p.Asp180Asn)

Gene: PAX2 (paired box 2; plus strand). Cytogenetic location: 10q24.31.
Variant type: single nucleotide variant.
Coding change: c.538G>A on transcript NM_000278.5 (MANE Select); coding-DNA position 538, G replaced by A.
Protein change: p.Asp180Asn; replaces aspartic acid 180 with asparagine.
Molecular consequence: missense variant.
Genome position (GRCh38, 1-based): chr10:100,781,287, G>A. VCF-style: chr10-100781287-G-A. GRCh37 (hg19) VCF-style: chr10-102541044-G-A.
Other names: c.631G>A, p.Asp211Asn (NM_001304569.2); c.538G>A, p.Asp180Asn (NM_003987.5, NM_003988.5, NM_003989.5 and 1 more transcripts); short protein forms D180N, D211N.
Identifiers: ClinVar variation 872773 (VCV000872773.47), dbSNP rs1846612619, ClinGen allele CA378258504.

ClinVar aggregate classification (germline): Uncertain significance. Review status: criteria provided, multiple submitters, no conflicts (2 of 4 stars). 3 submissions from 3 submitters: Uncertain significance (3). Last evaluated 2024-10-23.

Conditions:
Focal segmental glomerulosclerosis 7 (FSGS7). Identifiers: Orphanet 656, MedGen C4014925, MONDO:0014451, OMIM 616002.
Renal coloboma syndrome (PAPRS). Also called: PAPILLORENAL SYNDROME; RENAL-COLOBOMA SYNDROME WITH MACULAR ABNORMALITIES; PAPILLORENAL SYNDROME WITH MILD OCULAR ABNORMALITIES; CONGENITAL ANOMALIES OF THE KIDNEY AND URINARY TRACT WITH OR WITHOUT OCULAR ABNORMALITIES; CAKUT WITH OR WITHOUT OCULAR ABNORMALITIES; COLOBOMA OF OPTIC NERVE WITH RENAL DISEASE. Identifiers: Orphanet 1475, MedGen C1852759, MONDO:0007352, OMIM 120330.

Allele frequency attached by ClinVar (database versions not stated): gnomAD exomes 0.00001.
gnomAD v4.1: 12 of 1,613,572 alleles (0.00074%); highest among the groups gnomAD compares: Non-Finnish European, 0.001%; no homozygotes.

Submissions (3):

Labcorp Genetics (formerly Invitae), Labcorp
Classification: Uncertain significance for Renal coloboma syndrome; Focal segmental glomerulosclerosis 7. Last evaluated: 2024-10-23. Review status: criteria provided, single submitter. Criteria: Invitae Variant Classification Sherloc (09022015). Collection method: clinical testing. Allele origin: germline.
Comment: This sequence change replaces aspartic acid with asparagine at codon 180 of the PAX2 protein (p.Asp180Asn). The aspartic acid residue is highly conserved and there is a small physicochemical difference between aspartic acid and asparagine. This variant is not present in population databases (gnomAD no frequency). This variant has not been reported in the literature in individuals affected with PAX2-related conditions. ClinVar contains an entry for this variant (Variation ID: 872773). Experimental studies and prediction algorithms are not available or were not evaluated, and the functional significance of this variant is currently unknown. In summary, the available evidence is currently insufficient to determine the role of this variant in disease. Therefore, it has been classified as a Variant of Uncertain Significance.

Fulgent Genetics
Classification: Uncertain significance for Renal coloboma syndrome; Focal segmental glomerulosclerosis 7. Last evaluated: 2024-06-08. Review status: criteria provided, single submitter. Criteria: ACMG Guidelines, 2015. Collection method: clinical testing. Allele origin: germline.

CeGaT Center for Human Genetics Tuebingen
Classification: Uncertain significance. Last evaluated: 2019-10-01. Review status: criteria provided, single submitter. Criteria: CeGaT Center For Human Genetics Tuebingen Variant Classification Criteria Version 2. Collection method: clinical testing. Allele origin: germline. Affected: yes. Observed: 1 variant allele.